The following is an entry in ClinVar:

ClinVar aggregate classification (germline): Uncertain significance (1 of 4 stars; one submission).

Submission:

Labcorp Genetics (formerly Invitae), Labcorp
Classification: Uncertain significance. Last evaluated: 2025-04-30. Review status: criteria provided, single submitter. Criteria: Invitae Variant Classification Sherloc (09022015). Collection method: clinical testing. Allele origin: germline.
Comment: This sequence change creates a premature translational stop signal (p.Gly156Argfs*35) in the TNFRSF6B gene. It is expected to result in an absent or disrupted protein product. However, the current clinical and genetic evidence is not sufficient to establish whether loss-of-function variants in TNFRSF6B cause disease. The frequency data for this variant in the population databases is considered unreliable, as metrics indicate poor data quality at this position in the gnomAD database. This variant has not been reported in the literature in individuals affected with TNFRSF6B-related conditions. In summary, the available evidence is currently insufficient to determine the role of this variant in disease. Therefore, it has been classified as a Variant of Uncertain Significance.

NM_003823.4(TNFRSF6B):c.464dup (p.Gly156fs)

Genes: RTEL1-TNFRSF6B (RTEL1-TNFRSF6B readthrough (NMD candidate); plus strand), TNFRSF6B (TNF receptor superfamily member 6b; plus strand). Cytogenetic location: 20q13.33.
Variant type: Duplication.
Coding change: c.464dup on transcript NM_003823.4 (MANE Select); coding-DNA position 464, one base duplicated (C; older notation c.464dupC).
Protein change: p.Gly156fs; shifts the reading frame from glycine 156.
Molecular consequence: frameshift variant. On other transcripts: non-coding transcript variant (1).
Genome position (GRCh38, 1-based): chr20:63,697,367, C duplicated; the last of 6 consecutive C bases (chr20:63,697,362-63,697,367); duplicating any one gives the same sequence. VCF-style (leftmost placement, unchanged base first): chr20-63697361-G-GC. GRCh37 (hg19) VCF-style: chr20-62328714-G-GC.
Other names: short protein forms G156fs.
Identifiers: ClinVar variation 4718727 (VCV004718727.1).